The following is an entry in ClinVar:

ClinVar aggregate classification (germline): Likely benign (1 of 4 stars; one submission).

Allele frequency attached by ClinVar (database versions not stated): 1000 Genomes Project 30x 0.00016; gnomAD exomes 0.00020; ESP Exome Variant Server 0.00056; ExAC 0.00076; gnomAD 0.00089.

Submission:

CeGaT Center for Human Genetics Tuebingen
Classification: Likely benign. Last evaluated: 2023-01-01. Review status: criteria provided, single submitter. Criteria: CeGaT Center For Human Genetics Tuebingen Variant Classification Criteria Version 2. Collection method: clinical testing. Allele origin: germline. Affected: yes. Observed: 1 variant allele.
Comment: IGKV2D-28: BS2

NC_000002.12:g.90160240G>A

Genes: IGK (immunoglobulin kappa locus), IGKV1D-12 (immunoglobulin kappa variable 1D-12; plus strand). Cytogenetic location: 2p11.2.
Variant type: single nucleotide variant.
Genome position: GRCh38 VCF-style: chr2-90160240-G-A. GRCh37 (hg19) VCF-style: chr2-90199095-G-A.
Identifiers: ClinVar variation 2651112 (VCV002651112.24), dbSNP rs200608701, ClinGen allele CA1767489.